The following is an entry in ClinVar:

NM_001041.4(SI):c.1616T>C (p.Met539Thr)

Gene: SI (sucrase-isomaltase; minus strand). Cytogenetic location: 3q26.1.
Variant type: single nucleotide variant.
Coding change: c.1616T>C on transcript NM_001041.4 (MANE Select); coding-DNA position 1616, T replaced by C.
Protein change: p.Met539Thr; replaces methionine 539 with threonine.
Molecular consequence: missense variant.
Genome position (GRCh38, 1-based): chr3:165,049,226, A>G on the plus strand (T>C on the coding strand, the complement: SI is on the minus strand). VCF-style: chr3-165049226-A-G. GRCh37 (hg19) VCF-style: chr3-164767014-A-G.
Other names: short protein forms M539T.
Identifiers: ClinVar variation 344053 (VCV000344053.6), dbSNP rs749835475, ClinGen allele CA2691001.

ClinVar aggregate classification (germline): Uncertain significance. Review status: criteria provided, multiple submitters, no conflicts (2 of 4 stars). 2 submissions from 2 submitters: Uncertain significance (2). Last evaluated 2022-05-18.

Conditions:
Sucrase-isomaltase deficiency (CSID). Also called: SI DEFICIENCY; Deficiency of isomaltase; Congenital sucrose isomaltose malabsorption; Sucrose isomaltose enzyme deficiency. Identifiers: Orphanet 35122, MedGen C1283620, MONDO:0009114, OMIM 222900.

Allele frequency attached by ClinVar (database versions not stated): TOPMed below 0.00001; ExAC 0.00002; gnomAD exomes 0.00002.
gnomAD v4.1: 11 of 1,602,166 alleles (0.00069%); highest among the groups gnomAD compares: Admixed American, 0.0067%; no homozygotes.

Submissions (2):

Labcorp Genetics (formerly Invitae), Labcorp
Classification: Uncertain significance. Last evaluated: 2022-05-18. Review status: criteria provided, single submitter. Criteria: Invitae Variant Classification Sherloc (09022015). Collection method: clinical testing. Allele origin: germline.
Comment: This sequence change replaces methionine, which is neutral and non-polar, with threonine, which is neutral and polar, at codon 539 of the SI protein (p.Met539Thr). This variant is present in population databases (rs749835475, gnomAD 0.009%). This variant has not been reported in the literature in individuals affected with SI-related conditions. ClinVar contains an entry for this variant (Variation ID: 344053). Advanced modeling of protein sequence and biophysical properties (such as structural, functional, and spatial information, amino acid conservation, physicochemical variation, residue mobility, and thermodynamic stability) performed at Invitae indicates that this missense variant is expected to disrupt SI protein function. In summary, the available evidence is currently insufficient to determine the role of this variant in disease. Therefore, it has been classified as a Variant of Uncertain Significance.

Illumina Laboratory Services, Illumina
Classification: Uncertain significance for Sucrase-isomaltase deficiency. Last evaluated: 2018-01-13. Review status: criteria provided, single submitter. Criteria: ICSL Variant Classification Criteria 13 December 2019. Collection method: clinical testing. Allele origin: germline.